The following is an entry in ClinVar:

NM_006767.4(LZTR1):c.1352A>T (p.Glu451Val)

Gene: LZTR1 (leucine zipper like post translational regulator 1; plus strand). Cytogenetic location: 22q11.21.
Variant type: single nucleotide variant.
Coding change: c.1352A>T on transcript NM_006767.4 (MANE Select); coding-DNA position 1352, A replaced by T.
Protein change: p.Glu451Val; replaces glutamic acid 451 with valine.
Molecular consequence: missense variant.
Genome position (GRCh38, 1-based): chr22:20,993,753, A>T. VCF-style: chr22-20993753-A-T. GRCh37 (hg19) VCF-style: chr22-21348042-A-T.
Other names: p.Glu451Val; c.1352A>T (NM_006767.3); short protein forms E451V.
Identifiers: ClinVar variation 1903244 (VCV001903244.7), dbSNP rs747701179, ClinGen allele CA10118824.

ClinVar aggregate classification (germline): Uncertain significance. Review status: criteria provided, multiple submitters, no conflicts (2 of 4 stars). 3 submissions from 3 submitters: Uncertain significance (3). Last evaluated 2024-05-28.

Conditions:
Hereditary cancer-predisposing syndrome. Also called: Tumor predisposition; Neoplastic Syndromes, Hereditary; Hereditary Cancer Syndrome; Hereditary neoplastic syndrome. Identifiers: Orphanet 140162, MedGen C0027672, MeSH D009386, MONDO:0015356.
Cardiovascular phenotype. Identifiers: MedGen CN230736.

gnomAD v4.1: 9 of 1,612,328 alleles (0.00056%); highest among the groups gnomAD compares: South Asian, 0.0011%; no homozygotes.

Submissions (3):

Labcorp Genetics (formerly Invitae), Labcorp
Classification: Uncertain significance. Last evaluated: 2024-05-28. Review status: criteria provided, single submitter. Criteria: Invitae Variant Classification Sherloc (09022015). Collection method: clinical testing. Allele origin: germline.
Comment: This sequence change replaces glutamic acid, which is acidic and polar, with valine, which is neutral and non-polar, at codon 451 of the LZTR1 protein (p.Glu451Val). This variant is present in population databases (rs747701179, gnomAD 0.0009%). This variant has not been reported in the literature in individuals affected with LZTR1-related conditions. ClinVar contains an entry for this variant (Variation ID: 1903244). An algorithm developed to predict the effect of missense changes on protein structure and function (PolyPhen-2) suggests that this variant is likely to be tolerated. Algorithms developed to predict the effect of sequence changes on RNA splicing suggest that this variant may disrupt the consensus splice site. In summary, the available evidence is currently insufficient to determine the role of this variant in disease. Therefore, it has been classified as a Variant of Uncertain Significance.

Ambry Genetics
Classification: Uncertain significance for Cardiovascular phenotype; Hereditary cancer-predisposing syndrome. Last evaluated: 2023-12-18. Review status: criteria provided, single submitter. Criteria: Ambry Variant Classification Scheme 2023. Collection method: clinical testing. Allele origin: germline.
Comment: The p.E451V variant (also known as c.1352A>T), located in coding exon 12 of the LZTR1 gene, results from an A to T substitution at nucleotide position 1352. The glutamic acid at codon 451 is replaced by valine, an amino acid with dissimilar properties. This amino acid position is conserved. In addition, the in silico prediction for this alteration is inconclusive. Since supporting evidence is limited at this time, the clinical significance of this alteration remains unclear.

Mayo Clinic Laboratories, Mayo Clinic
Classification: Uncertain significance. Last evaluated: 2022-06-02. Review status: criteria provided, single submitter. Criteria: ACMG Guidelines, 2015. Collection method: clinical testing. Allele origin: germline. Observed: 1 variant allele.